The following is an entry in ClinVar:

ClinVar aggregate classification (germline): Conflicting classifications of pathogenicity. Review status: criteria provided, conflicting classifications (1 of 4 stars). 2 submissions from 2 submitters: Likely pathogenic (1); Uncertain significance (1). Last evaluated 2025-08-25.

Conditions:
Biotinidase deficiency. Also called: BTD deficiency; Late-onset biotin-responsive multiple carboxylase deficiency; Biotin deficiency. Identifiers: Orphanet 79241, MedGen C0220754, MONDO:0009665, OMIM 253260.
BTD-related disorder. Also called: BTD-related condition.

Submissions (2):

Labcorp Genetics (formerly Invitae), Labcorp
Classification: Uncertain significance for Biotinidase deficiency. Last evaluated: 2025-08-25. Review status: criteria provided, single submitter. Criteria: Invitae Variant Classification Sherloc (09022015). Collection method: clinical testing. Allele origin: germline.
Comment: This sequence change affects a donor splice site in intron 3 of the BTD gene. While this variant is not anticipated to result in nonsense mediated decay, it likely alters RNA splicing and results in a disrupted protein product. This variant is not present in population databases (gnomAD no frequency). This variant has not been reported in the literature in individuals affected with BTD-related conditions. Variants that disrupt the consensus splice site are a relatively common cause of aberrant splicing (PMID: 17576681, 9536098). Algorithms developed to predict the effect of sequence changes on RNA splicing suggest that this variant may disrupt the consensus splice site. In summary, the available evidence is currently insufficient to determine the role of this variant in disease. Therefore, it has been classified as a Variant of Uncertain Significance.

Blueprint Genetics
Classification: Likely pathogenic for BTD-related disorders. Last evaluated: 2019-12-18. Review status: criteria provided, single submitter. Criteria: ACMG Guidelines, 2015. Collection method: clinical testing. Allele origin: germline. Affected: yes. Observed: 3 variant alleles.

Literature cited by the submitters: PubMed 17576681 (cited by Labcorp Genetics (formerly Invitae), Labcorp); PubMed 9536098 (cited by Labcorp Genetics (formerly Invitae), Labcorp).

NM_001370658.1(BTD):c.399+1G>A

Gene: BTD (biotinidase; plus strand). Cytogenetic location: 3p25.1.
Variant type: single nucleotide variant.
Coding change: c.399+1G>A on transcript NM_001370658.1 (MANE Select); the canonical splice donor site of the intron after coding-DNA position 399, G replaced by A.
Molecular consequence: splice donor variant. On other transcripts: missense variant (13).
Genome position (GRCh38, 1-based): chr3:15,642,058, G>A. VCF-style: chr3-15642058-G-A. GRCh37 (hg19) VCF-style: chr3-15683565-G-A.
Other names: c.400G>A, p.Val134Met (NM_001281726.3, NM_001407382.1, NM_001407383.1 and 9 more transcripts); c.463G>A, p.Val155Met (NM_001407381.1); c.399+1G>A (NM_001407365.1, NM_001370752.1, NM_001407379.1 and 24 more transcripts); short protein forms V155M, V134M.
Identifiers: ClinVar variation 4779768 (VCV004779768.2).